The following is an entry in ClinVar:

NM_000111.3(SLC26A3):c.1021G>T (p.Gly341Ter)

Gene: SLC26A3 (solute carrier family 26 member 3; minus strand). Cytogenetic location: 7q22.3.
Variant type: single nucleotide variant.
Coding change: c.1021G>T on transcript NM_000111.3 (MANE Select); coding-DNA position 1021, G replaced by T.
Protein change: p.Gly341Ter; replaces glycine 341 with a stop codon.
Molecular consequence: nonsense.
Genome position (GRCh38, 1-based): chr7:107,783,303, C>A on the plus strand (G>T on the coding strand, the complement: SLC26A3 is on the minus strand). VCF-style: chr7-107783303-C-A. GRCh37 (hg19) VCF-style: chr7-107423748-C-A.
Other names: short protein forms G341*.
Identifiers: ClinVar variation 2702415 (VCV002702415.3), dbSNP rs1794241080, ClinGen allele CA368852179.
Genomic context (GRCh38, chr7:107,783,303, plus strand): 5'-AGACGCTGGCAACTGAAAAGGCCACTGCAAATGCAACCATTGCGATGCCGAAGCAATCTC[C>A]TACGGTGTTTTGGAAAGTCTCCACGTCAGGTGTAATAGGGGGCTGAAATCTAAAATTGAA-3'

ClinVar aggregate classification (germline): Pathogenic (1 of 4 stars; one submission).

Submission:

Labcorp Genetics (formerly Invitae), Labcorp
Classification: Pathogenic. Last evaluated: 2023-12-12. Review status: criteria provided, single submitter. Criteria: Invitae Variant Classification Sherloc (09022015). Collection method: clinical testing. Allele origin: germline.
Comment: This sequence change creates a premature translational stop signal (p.Gly341*) in the SLC26A3 gene. It is expected to result in an absent or disrupted protein product. Loss-of-function variants in SLC26A3 are known to be pathogenic (PMID: 9718329, 21394828). This variant is not present in population databases (gnomAD no frequency). This variant has not been reported in the literature in individuals affected with SLC26A3-related conditions. For these reasons, this variant has been classified as Pathogenic.

Literature cited by the submitters: PubMed 9718329; PubMed 21394828.